The following is an entry in ClinVar:

ClinVar aggregate classification (germline): Likely benign (1 of 4 stars; one submission).

Conditions:
ABCA4-related disorder. Also called: ABCA4-related condition; ABCA4-related disorders. Identifiers: MedGen CN239167.

gnomAD v4.1: 28 of 1,613,692 alleles (0.0017%); highest among the groups gnomAD compares: South Asian, 0.0033%; no homozygotes.

Submission:

PreventionGenetics, part of Exact Sciences
Classification: Likely benign for ABCA4-related condition. Last evaluated: 2025-03-05. Review status: criteria provided, single submitter. Criteria: ACMG Guidelines, 2015. Collection method: clinical testing. Allele origin: germline.
Comment: This variant is classified as likely benign based on ACMG/AMP sequence variant interpretation guidelines (Richards et al. 2015 PMID: 25741868, with internal and published modifications).

NM_000350.3(ABCA4):c.161-28C>T

Gene: ABCA4 (ATP binding cassette subfamily A member 4; minus strand). Cytogenetic location: 1p22.1.
Variant type: single nucleotide variant.
Coding change: c.161-28C>T on transcript NM_000350.3 (MANE Select); 28 bases into the intron before coding-DNA position 161, C replaced by T.
Molecular consequence: intron variant.
Genome position (GRCh38, 1-based): chr1:94,111,607, G>A on the plus strand (C>T on the coding strand, the complement: ABCA4 is on the minus strand). VCF-style: chr1-94111607-G-A. GRCh37 (hg19) VCF-style: chr1-94577163-G-A.
Other names: c.161-28C>T (NM_001425324.1).
Identifiers: ClinVar variation 4977157 (VCV004977157.1).
Genomic context (GRCh38, chr1:94,111,607, plus strand): 5'-CTGCTGAGGGCATCGCCTTGTTGGGGAAATGGCCTTTAAAACAGAAAATGAGGACAAGAC[G>A]GGATTAGTCATGGAGACCAAGCAGGATGCAGACCTAGGAGTTGGCCTTTTTGGGAAGGGG-3'